The following is an entry in ClinVar:

ClinVar aggregate classification (germline): Uncertain significance (1 of 4 stars; one submission).

Conditions:
Hereditary cancer-predisposing syndrome. Also called: Neoplastic Syndromes, Hereditary; Tumor predisposition; Hereditary Cancer Syndrome; Hereditary neoplastic syndrome. Identifiers: Orphanet 140162, MedGen C0027672, MeSH D009386, MONDO:0015356.

Allele frequency attached by ClinVar (database versions not stated): gnomAD exomes below 0.00001.

Submission:

Color Diagnostics, LLC DBA Color Health
Classification: Uncertain significance for Hereditary cancer-predisposing syndrome. Last evaluated: 2023-04-23. Review status: criteria provided, single submitter. Criteria: ACMG Guidelines, 2015. Collection method: clinical testing. Allele origin: germline.
Comment: This missense variant replaces cysteine with arginine at codon 90 of the BRIP1 protein. Computational prediction suggests that this variant may not impact protein structure and function (internally defined REVEL score threshold <= 0.5, PMID: 27666373). To our knowledge, functional studies have not been reported for this variant. This variant has not been reported in individuals affected with BRIP1-related disorders in the literature. This variant has been identified in 1/251444 chromosomes in the general population by the Genome Aggregation Database (gnomAD). The available evidence is insufficient to determine the role of this variant in disease conclusively. Therefore, this variant is classified as a Variant of Uncertain Significance.

NM_032043.3(BRIP1):c.268T>C (p.Cys90Arg)

Gene: BRIP1 (BRCA1 interacting DNA helicase 1; minus strand). Cytogenetic location: 17q23.2.
Variant type: single nucleotide variant.
Coding change: c.268T>C on transcript NM_032043.3 (MANE Select); coding-DNA position 268, T replaced by C.
Protein change: p.Cys90Arg; replaces cysteine 90 with arginine.
Molecular consequence: missense variant.
Genome position (GRCh38, 1-based): chr17:61,857,169, A>G on the plus strand (T>C on the coding strand, the complement: BRIP1 is on the minus strand). VCF-style: chr17-61857169-A-G. GRCh37 (hg19) VCF-style: chr17-59934530-A-G.
Other names: short protein forms C90R.
Identifiers: ClinVar variation 2775008 (VCV002775008.2), dbSNP rs1250665493, ClinGen allele CA400485494.